The following is an entry in ClinVar:

ClinVar aggregate classification (germline): Likely pathogenic (1 of 4 stars; one submission).

Conditions:
Intellectual developmental disorder, X-linked, syndromic, Turner type. Also called: X-linked intellectual disability, Turner type; Intellectual disability, X-linked syndromic, Turner type. Identifiers: Orphanet 3056, Orphanet 85328, MedGen C2678046, MONDO:0010407, OMIM 309590.

Submission:

Victorian Clinical Genetics Services, Murdoch Childrens Research Institute
Classification: Likely pathogenic for Intellectual developmental disorder, X-linked, syndromic, Turner type. Last evaluated: 2025-07-08. Review status: criteria provided, single submitter. Criteria: ACMG Guidelines, 2015. Collection method: clinical testing. Allele origin: germline. Affected: yes.
Comment: This variant is classified as Likely pathogenic. Evidence in support of pathogenic classification: Variant is absent from gnomAD (v2, v3 and v4); Additional information: Variant is predicted to result in a missense amino acid change from methionine to leucine; This variant is heterozygous; This gene is associated with X-linked disease. Due to skewed X-inactivation, heterozygous females can be variably affected, ranging from asymptomatic to fully manifesting the condition (PMID: 29180823); Alternative amino acid change(s) at the same position are present in gnomAD (Highest allele count: v4: 2 heterozygote(s), 0 homozygote(s), 0 hemizygote(s)); This variant has no previous evidence of pathogenicity; No published evidence of segregation with disease has been identified for this variant; No published functional evidence has been identified for this variant; No comparable missense variants have previous evidence for pathogenicity; Variant is not located in an established domain, motif, hotspot or informative constraint region; Missense variant with inconclusive in silico prediction and/or uninformative conservation; Loss of function and gain of function are known mechanisms of disease in this gene and are associated with intellectual developmental disorder, X-linked syndromic, Turner type (MIM#309590) (PMID: 27130160).

Literature cited by the submitters: PubMed 27130160; PubMed 29180823.

NM_031407.7(HUWE1):c.6538A>T (p.Met2180Leu)

Gene: HUWE1 (HECT, UBA and WWE domain containing E3 ubiquitin protein ligase 1; minus strand). Cytogenetic location: Xp11.22.
Variant type: single nucleotide variant.
Coding change: c.6538A>T on transcript NM_031407.7 (MANE Select); coding-DNA position 6538, A replaced by T.
Protein change: p.Met2180Leu; replaces methionine 2180 with leucine.
Molecular consequence: missense variant.
Genome position (GRCh38, 1-based): chrX:53,568,861, T>A on the plus strand (A>T on the coding strand, the complement: HUWE1 is on the minus strand). VCF-style: chrX-53568861-T-A. GRCh37 (hg19) VCF-style: chrX-53595821-T-A.
Other names: c.6535A>T, p.Met2179Leu (NM_001441048.1, NM_001441051.1, NM_001441053.1 and 2 more transcripts); c.6538A>T, p.Met2180Leu (NM_001441049.1, NM_001441052.1, NM_001441054.1 and 1 more transcripts); c.6559A>T, p.Met2187Leu (NM_001441050.1, NM_001441055.1); short protein forms M2179L, M2180L, M2187L.
Identifiers: ClinVar variation 4531334 (VCV004531334.1).